The following is an entry in ClinVar:

NM_001035.3(RYR2):c.8889T>C (p.Phe2963=)

Gene: RYR2 (ryanodine receptor 2; plus strand). Cytogenetic location: 1q43.
Variant type: single nucleotide variant.
Coding change: c.8889T>C on transcript NM_001035.3 (MANE Select); coding-DNA position 8889, T replaced by C.
Protein change: p.Phe2963=; no amino-acid change (phenylalanine 2963 retained).
Molecular consequence: synonymous variant.
Genome position (GRCh38, 1-based): chr1:237,678,106, T>C. VCF-style: chr1-237678106-T-C. GRCh37 (hg19) VCF-style: chr1-237841406-T-C.
Identifiers: ClinVar variation 3073251 (VCV003073251.1), dbSNP rs775482237, ClinGen allele CA087759.

ClinVar aggregate classification (germline): Likely benign (1 of 4 stars; one submission).

Conditions:
Catecholaminergic polymorphic ventricular tachycardia (CVPT). Also called: Catecholamine-induced polymorphic ventricular tachycardia. Identifiers: Orphanet 3286, MedGen C5574922, MONDO:0017990.

Allele frequency attached by ClinVar (database versions not stated): TOPMed 0.00001.

Submission:

All of Us Research Program, National Institutes of Health
Classification: Likely benign for Catecholaminergic polymorphic ventricular tachycardia. Last evaluated: 2023-11-30. Review status: criteria provided, single submitter. Criteria: ACMG Guidelines, 2015. Collection method: clinical testing. Allele origin: germline. Inheritance: Autosomal dominant inheritance. Observed: 2 variant alleles, 2 heterozygotes.
Comment: This study involves interpretation of variants in research participants for the purpose of population health screening. Participant phenotype was not available at the time of variant classification. Additional details can be found in publication PMID: 35346344, PMCID: PMC8962531